The following is an entry in ClinVar:

NM_004752.4(GCM2):c.513AAG[1] (p.Arg172del)

Gene: GCM2 (glial cells missing transcription factor 2; minus strand). Cytogenetic location: 6p24.2.
Variant type: Microsatellite.
Coding change: c.513AAG[1] on transcript NM_004752.4 (MANE Select); one copy of the 3-base unit AAG starting at c.513; the reference has two copies in a row; one copy, 3 bases deleted.
Protein change: p.Arg172del; deletes arginine 172.
Molecular consequence: inframe deletion.
Genome position (GRCh38, 1-based): chr6:10,875,955-10,875,957, CTT deleted on the plus strand (AAG on the coding strand, the reverse complement: GCM2 is on the minus strand); deleting any 3 consecutive bases within chr6:10,875,955-10,875,962 gives the same sequence; the position shown is the placement nearest the transcript's 3' end. VCF-style (leftmost placement, unchanged base first): chr6-10875954-GCTT-G. GRCh37 (hg19) VCF-style: chr6-10876187-GCTT-G.
Other names: short protein forms R172del.
Identifiers: ClinVar variation 3235973 (VCV003235973.1), dbSNP rs2532751136, ClinGen allele CA2825001446.

ClinVar aggregate classification (germline): Uncertain significance (1 of 4 stars; one submission).

Conditions:
Hypoparathyroidism, familial isolated, 2. Identifiers: MedGen C5394383, MONDO:0020798, OMIM 618883.

Submission:

MVZ Medizinische Genetik Mainz
Classification: Uncertain significance for Hypoparathyroidism, familial isolated, 2. Last evaluated: 2023-03-14. Review status: criteria provided, single submitter. Criteria: UK Practice Guidelines For Variant Classification V4 01 2020. Collection method: clinical testing. Allele origin: germline. Inheritance: Autosomal dominant inheritance. Affected: yes. Observed: 1 variant allele.
Comment: ACMG Criteria: PM2_SUP,PM4_SUP,PP3